The following is an entry in ClinVar:

ClinVar aggregate classification (germline): Uncertain significance (3 of 4 stars; one submission).

Conditions:
Phenylketonuria (PKU). Also called: Phenylketonurias; FOLLING DISEASE; Phenylketonuria (PKU); OLIGOPHRENIA PHENYLPYRUVICA. Identifiers: Orphanet 716, MedGen C0031485, MONDO:0009861, OMIM 261600. Disease mechanism: loss of function.

Allele frequency attached by ClinVar (database versions not stated): gnomAD 0.00001; TOPMed below 0.00001.
gnomAD v4.1: 1 of 1,614,010 alleles (0.000062%); highest among the groups gnomAD compares: Non-Finnish European, 0.000085%; no homozygotes.

Submission:

ClinGen PAH Variant Curation Expert Panel
Classification: Uncertain significance for Phenylketonuria. Last evaluated: 2022-03-13. Review status: reviewed by expert panel. Criteria: ClinGen PAH ACMG Specifications v1. Collection method: curation. Allele origin: germline. Inheritance: Autosomal recessive inheritance.
Comment: The c.793T>C (p.Cys265Arg) variant in PAH is reported in at least 1 Chinese patient with PAH deficiency (BH4 deficiency ruled out, PMID: 23932990). It was detected in trans with a variant of unknown significance, p.Arg53His (PMID: 30050108). This variant is absent in population databases. Multiple lines of computational evidence support a deleterious effect. In summary, this variant meets criteria to be classified as uncertain significance for PAH. PAH-specific ACMG/AMP criteria applied: PM2, PP3, PP4_moderate.

NM_000277.3(PAH):c.793T>C (p.Cys265Arg)

Gene: PAH (phenylalanine hydroxylase; minus strand). Cytogenetic location: 12q23.2.
Variant type: single nucleotide variant.
Coding change: c.793T>C on transcript NM_000277.3 (MANE Select); coding-DNA position 793, T replaced by C.
Protein change: p.Cys265Arg; replaces cysteine 265 with arginine.
Molecular consequence: missense variant.
Genome position (GRCh38, 1-based): chr12:102,852,864, A>G on the plus strand (T>C on the coding strand, the complement: PAH is on the minus strand). VCF-style: chr12-102852864-A-G. GRCh37 (hg19) VCF-style: chr12-103246642-A-G.
Other names: NM_000277.1:c.793T>C; c.793T>C, p.Cys265Arg (NM_001354304.2); short protein forms C265R.
Identifiers: ClinVar variation 1693238 (VCV001693238.1), dbSNP rs62517181, ClinGen allele CA16020858.